The following is an entry in ClinVar:

ClinVar aggregate classification (germline): Pathogenic/Likely pathogenic. Review status: criteria provided, multiple submitters, no conflicts (2 of 4 stars). 5 submissions from 5 submitters: Pathogenic (2); Likely pathogenic (3). Last evaluated 2025-12-15.

Conditions:
Usher syndrome type 2A. Also called: RETINAL DISEASE IN USHER SYNDROME TYPE IIA, MODIFIER OF; USHER SYNDROME, TYPE IIA. Identifiers: Orphanet 231178, Orphanet 886, MedGen C1848634, MONDO:0010169, OMIM 276901.
Retinitis pigmentosa 39 (RP39). Identifiers: Orphanet 791, MedGen C3151138, MONDO:0013436, OMIM 613809.

Submissions (5):

Dasa
Classification: Likely pathogenic. Last evaluated: 2025-12-15. Review status: criteria provided, single submitter. Criteria: DASA Assertion Criteria. Collection method: clinical testing. Allele origin: germline.
Comment: NM_206933.4(USH2A):c.4276_4277del (p.Glu1426Thrfs*12) is a frameshift variant in USH2A predicted to alter the reading frame and introduce a premature termination codon and is predicted to result in an absent or altered protein product. Loss of function is an established disease mechanism for USH2A-associated disorders. Also, this variant is rare in population databases. Based on the currently available evidence, this variant is classified as likely pathogenic.

3billion
Classification: Pathogenic for Usher syndrome type 2A. Last evaluated: 2025-08-14. Review status: criteria provided, single submitter. Criteria: ACMG Guidelines, 2015. Collection method: clinical testing. Allele origin: germline. Affected: yes.
Comment: The variant is observed at an extremely low frequency in the gnomAD v4.1.0 dataset (total allele frequency: <0.001%). Predicted Consequence/Location: Frameshift: predicted to result in a loss or disruption of normal protein function through nonsense-mediated decay (NMD) or protein truncation. Multiple pathogenic variants are reported downstream of the variant. The variant has been reported at least twice as pathogenic with clinical assertions and evidence for the classification (ClinVar ID: VCV001065752). Therefore, this variant is classified as Pathogenic according to the recommendation of ACMG/AMP guideline.

Genome-Nilou Lab
Classification: Likely pathogenic for Retinitis pigmentosa 39. Last evaluated: 2023-11-04. Review status: criteria provided, single submitter. Criteria: ACMG Guidelines, 2015. Collection method: clinical testing. Allele origin: germline. Affected: no.

Labcorp Genetics (formerly Invitae), Labcorp
Classification: Pathogenic. Last evaluated: 2022-06-09. Review status: criteria provided, single submitter. Criteria: Invitae Variant Classification Sherloc (09022015). Collection method: clinical testing. Allele origin: germline.
Comment: This variant is present in population databases (no rsID available, gnomAD 0.0009%). This sequence change creates a premature translational stop signal (p.Glu1426Thrfs*12) in the USH2A gene. It is expected to result in an absent or disrupted protein product. Loss-of-function variants in USH2A are known to be pathogenic (PMID: 10729113, 10909849, 20507924, 25649381). This variant has not been reported in the literature in individuals affected with USH2A-related conditions. For these reasons, this variant has been classified as Pathogenic. Algorithms developed to predict the effect of sequence changes on RNA splicing suggest that this variant may disrupt the consensus splice site. ClinVar contains an entry for this variant (Variation ID: 1065752).

Ocular Genomics Institute, Massachusetts Eye and Ear
Classification: Likely pathogenic for Retinitis pigmentosa 39. Last evaluated: 2021-04-08. Review status: criteria provided, single submitter. Criteria: ACMG Guidelines, 2015. Collection method: research. Allele origin: germline. Affected: yes.
Comment: Through a review of available evidence we were able to apply the following criteria: PVS1, PM2. Based on this evidence we have classified this variant as Likely Pathogenic.

Literature cited by the submitters: PubMed 10729113 (cited by Labcorp Genetics (formerly Invitae), Labcorp); PubMed 10909849 (cited by Labcorp Genetics (formerly Invitae), Labcorp); PubMed 20507924 (cited by Labcorp Genetics (formerly Invitae), Labcorp); PubMed 25649381 (cited by Labcorp Genetics (formerly Invitae), Labcorp).

NM_206933.4(USH2A):c.4276_4277del (p.Glu1426fs)

Gene: USH2A (usherin; minus strand). Cytogenetic location: 1q41.
Variant type: Deletion.
Coding change: c.4276_4277del on transcript NM_206933.4 (MANE Select); coding-DNA positions 4276 to 4277, 2 bases deleted (GA; older notation c.4276_4277delGA).
Protein change: p.Glu1426fs; shifts the reading frame from glutamic acid 1426.
Molecular consequence: frameshift variant.
Genome position (GRCh38, 1-based): chr1:216,190,342-216,190,343, TC deleted on the plus strand (GA on the coding strand, the reverse complement: USH2A is on the minus strand); deleting any 2 consecutive bases within chr1:216,190,342-216,190,344 gives the same sequence; the c. name uses the placement nearest the transcript's 3' end. VCF-style (leftmost placement, unchanged base first): chr1-216190341-TTC-T. GRCh37 (hg19) VCF-style: chr1-216363683-TTC-T.
Other names: c.4276_4277del, p.Glu1426fs (NM_007123.6); short protein forms E1426fs.
Identifiers: ClinVar variation 1065752 (VCV001065752.10), dbSNP rs1475129324, ClinGen allele CA528724929.